The following is an entry in ClinVar:

NM_001378454.1(ALMS1):c.2500G>T (p.Ala834Ser)

Gene: ALMS1 (ALMS1 centrosome and basal body associated protein; plus strand). Cytogenetic location: 2p13.1.
Variant type: single nucleotide variant.
Coding change: c.2500G>T on transcript NM_001378454.1 (MANE Select); coding-DNA position 2500, G replaced by T.
Protein change: p.Ala834Ser; replaces alanine 834 with serine.
Molecular consequence: missense variant.
Genome position (GRCh38, 1-based): chr2:73,449,027, G>T. VCF-style: chr2-73449027-G-T. GRCh37 (hg19) VCF-style: chr2-73676154-G-T.
Other names: c.2503G>T, p.Ala835Ser (NM_015120.4); short protein forms A834S, A835S.
Identifiers: ClinVar variation 1970536 (VCV001970536.5), dbSNP rs2466094807, ClinGen allele CA347270322.

ClinVar aggregate classification (germline): Uncertain significance (1 of 4 stars; one submission).

Conditions:
Alstrom syndrome (ALMS). Identifiers: Orphanet 64, MedGen C0268425, MONDO:0008763, OMIM 203800.

gnomAD v4.1: 8 of 1,613,996 alleles (0.0005%); highest among the groups gnomAD compares: Non-Finnish European, 0.00059%; no homozygotes.

Submission:

Labcorp Genetics (formerly Invitae), Labcorp
Classification: Uncertain significance for Alstrom syndrome. Last evaluated: 2022-03-18. Review status: criteria provided, single submitter. Criteria: Invitae Variant Classification Sherloc (09022015). Collection method: clinical testing. Allele origin: germline.
Comment: Experimental studies and prediction algorithms are not available or were not evaluated, and the functional significance of this variant is currently unknown. This sequence change replaces alanine with serine at codon 835 of the ALMS1 protein (p.Ala835Ser). The alanine residue is weakly conserved and there is a moderate physicochemical difference between alanine and serine. This variant is not present in population databases (gnomAD no frequency). This variant has not been reported in the literature in individuals affected with ALMS1-related conditions. In summary, the available evidence is currently insufficient to determine the role of this variant in disease. Therefore, it has been classified as a Variant of Uncertain Significance.